The following is an entry in ClinVar:

NM_005956.4(MTHFD1):c.2666G>A (p.Arg889His)

Genes: MTHFD1 (methylenetetrahydrofolate dehydrogenase, cyclohydrolase and formyltetrahydrofolate synthetase 1; plus strand), ZBTB25 (zinc finger and BTB domain containing 25; minus strand). Cytogenetic location: 14q23.3.
Variant type: single nucleotide variant.
Coding change: c.2666G>A on transcript NM_005956.4 (MANE Select); coding-DNA position 2666, G replaced by A.
Protein change: p.Arg889His; replaces arginine 889 with histidine.
Molecular consequence: missense variant. On other transcripts: intron variant (1).
Genome position (GRCh38, 1-based): chr14:64,454,823, G>A. VCF-style: chr14-64454823-G-A. GRCh37 (hg19) VCF-style: chr14-64921541-G-A.
Other names: c.174-5185C>T (NM_001304508.1); c.2666G>A, p.Arg889His (NM_001364837.1); short protein forms R889H.
Identifiers: ClinVar variation 1495194 (VCV001495194.5), dbSNP rs760130182, ClinGen allele CA7226660.

ClinVar aggregate classification (germline): Uncertain significance (1 of 4 stars; one submission).

Allele frequency attached by ClinVar (database versions not stated): gnomAD 0.00004 and 0.00003; TOPMed 0.00005; ExAC 0.00001; gnomAD exomes 0.00001 and 0.00003.
gnomAD v4.1: 51 of 1,614,012 alleles (0.0032%); highest among the groups gnomAD compares: African/African-American, 0.004%; no homozygotes.

Submission:

Labcorp Genetics (formerly Invitae), Labcorp
Classification: Uncertain significance. Last evaluated: 2024-10-21. Review status: criteria provided, single submitter. Criteria: Invitae Variant Classification Sherloc (09022015). Collection method: clinical testing. Allele origin: germline.
Comment: This sequence change replaces arginine, which is basic and polar, with histidine, which is basic and polar, at codon 889 of the MTHFD1 protein (p.Arg889His). This variant is present in population databases (rs760130182, gnomAD 0.008%). This variant has not been reported in the literature in individuals affected with MTHFD1-related conditions. ClinVar contains an entry for this variant (Variation ID: 1495194). Invitae Evidence Modeling of protein sequence and biophysical properties (such as structural, functional, and spatial information, amino acid conservation, physicochemical variation, residue mobility, and thermodynamic stability) indicates that this missense variant is expected to disrupt MTHFD1 protein function with a positive predictive value of 80%. In summary, the available evidence is currently insufficient to determine the role of this variant in disease. Therefore, it has been classified as a Variant of Uncertain Significance.